The following is an entry in ClinVar:

ClinVar aggregate classification (germline): Uncertain significance. Review status: criteria provided, multiple submitters, no conflicts (2 of 4 stars). 2 submissions from 2 submitters: Uncertain significance (2). Last evaluated 2022-11-28.

Conditions:
Bardet-Biedl syndrome (BBS). Identifiers: Orphanet 110, MedGen C0752166, MONDO:0015229.

Submissions (2):

Labcorp Genetics (formerly Invitae), Labcorp
Classification: Uncertain significance for Bardet-Biedl syndrome. Last evaluated: 2022-11-28. Review status: criteria provided, single submitter. Criteria: Invitae Variant Classification Sherloc (09022015). Collection method: clinical testing. Allele origin: germline.
Comment: In summary, the available evidence is currently insufficient to determine the role of this variant in disease. Therefore, it has been classified as a Variant of Uncertain Significance. Variants that disrupt the consensus splice site are a relatively common cause of aberrant splicing (PMID: 17576681, 9536098). Algorithms developed to predict the effect of sequence changes on RNA splicing suggest that this variant may disrupt the consensus splice site. ClinVar contains an entry for this variant (Variation ID: 498771). This variant has been observed in individual(s) with clinical features of Bardet-Biedl syndrome (Invitae). This variant is not present in population databases (gnomAD no frequency). This sequence change falls in intron 4 of the BBS7 gene. It does not directly change the encoded amino acid sequence of the BBS7 protein. It affects a nucleotide within the consensus splice site.

Eurofins Ntd Llc (ga)
Classification: Uncertain significance. Last evaluated: 2016-12-02. Review status: criteria provided, single submitter. Criteria: EGL Classification Definitions 2015. Collection method: clinical testing. Allele origin: germline. Observed: 1 variant allele, 1 homozygote.

Literature cited by the submitters: PubMed 17576681 (cited by Labcorp Genetics (formerly Invitae), Labcorp); PubMed 9536098 (cited by Labcorp Genetics (formerly Invitae), Labcorp).

NM_176824.3(BBS7):c.342-3C>G

Gene: BBS7 (Bardet-Biedl syndrome 7; minus strand). Cytogenetic location: 4q27.
Variant type: single nucleotide variant.
Coding change: c.342-3C>G on transcript NM_176824.3 (MANE Select); 3 bases into the intron before coding-DNA position 342, C replaced by G.
Molecular consequence: intron variant.
Genome position (GRCh38, 1-based): chr4:121,859,181, G>C on the plus strand (C>G on the coding strand, the complement: BBS7 is on the minus strand). VCF-style: chr4-121859181-G-C. GRCh37 (hg19) VCF-style: chr4-122780336-G-C.
Other names: c.342-3C>G (NM_018190.4).
Identifiers: ClinVar variation 498771 (VCV000498771.9), dbSNP rs1244071022, ClinGen allele CA658796465.